The following is an entry in ClinVar:

ClinVar aggregate classification (germline): Uncertain significance. Review status: criteria provided, multiple submitters, no conflicts (2 of 4 stars). 3 submissions from 3 submitters: Uncertain significance (3). Last evaluated 2025-08-13.

Conditions:
5-Oxoprolinase deficiency (OPLAHD). Also called: 5-OXOPROLINURIA DUE TO 5-OXOPROLINASE DEFICIENCY. Identifiers: Orphanet 33572, MedGen C0268525, MONDO:0009825, OMIM 260005, HP:0040142.

Allele frequency attached by ClinVar (database versions not stated): TOPMed 0.00001; ExAC 0.00003; gnomAD 0.00003; gnomAD exomes 0.00004; 1000 Genomes Project 30x 0.00016; 1000 Genomes Project 0.00020.

Submissions (3):

Ambry Genetics
Classification: Uncertain significance. Last evaluated: 2025-08-13. Review status: criteria provided, single submitter. Criteria: Ambry Variant Classification Scheme 2023. Collection method: clinical testing. Allele origin: germline.

Blueprint Genetics
Classification: Uncertain significance. Last evaluated: 2024-08-09. Review status: criteria provided, single submitter. Criteria: ACMG Guidelines, 2015. Collection method: clinical testing. Allele origin: germline.

Labcorp Genetics (formerly Invitae), Labcorp
Classification: Uncertain significance for 5-Oxoprolinase deficiency. Last evaluated: 2022-06-20. Review status: criteria provided, single submitter. Criteria: Invitae Variant Classification Sherloc (09022015). Collection method: clinical testing. Allele origin: germline.
Comment: This sequence change replaces serine, which is neutral and polar, with arginine, which is basic and polar, at codon 449 of the OPLAH protein (p.Ser449Arg). The frequency data for this variant in the population databases is considered unreliable, as metrics indicate poor data quality at this position in the gnomAD database. This variant has not been reported in the literature in individuals affected with OPLAH-related conditions. Algorithms developed to predict the effect of missense changes on protein structure and function are either unavailable or do not agree on the potential impact of this missense change (SIFT: "Not Available"; PolyPhen-2: "Possibly Damaging"; Align-GVGD: "Not Available"). In summary, the available evidence is currently insufficient to determine the role of this variant in disease. Therefore, it has been classified as a Variant of Uncertain Significance.

NM_017570.5(OPLAH):c.1347C>A (p.Ser449Arg)

Gene: OPLAH (5-oxoprolinase, ATP-hydrolysing; minus strand). Cytogenetic location: 8q24.3.
Variant type: single nucleotide variant.
Coding change: c.1347C>A on transcript NM_017570.5 (MANE Select); coding-DNA position 1347, C replaced by A.
Protein change: p.Ser449Arg; replaces serine 449 with arginine.
Molecular consequence: missense variant.
Genome position (GRCh38, 1-based): chr8:144,057,523, G>T on the plus strand (C>A on the coding strand, the complement: OPLAH is on the minus strand). VCF-style: chr8-144057523-G-T. GRCh37 (hg19) VCF-style: chr8-145112426-G-T.
Other names: c.1347C>A (NM_017570.3); short protein forms S449R.
Identifiers: ClinVar variation 2044824 (VCV002044824.4), dbSNP rs535207214, ClinGen allele CA4931907.